The following is an entry in ClinVar:

ClinVar aggregate classification (germline): Conflicting classifications of pathogenicity. Review status: criteria provided, conflicting classifications (1 of 4 stars). 4 submissions from 4 submitters: Uncertain significance (3); Likely benign (1). Last evaluated 2026-04-29.

Conditions:
Inborn genetic diseases. Identifiers: MedGen C0950123, MeSH D030342.
Episodic kinesigenic dyskinesia (EKD). Also called: Paroxysmal kinesigenic dyskinesia. Identifiers: Orphanet 98809, MedGen C1868682, MONDO:0044202.

Allele frequency attached by ClinVar (database versions not stated): gnomAD 0.00001; gnomAD exomes 0.00001 and 0.00003; TOPMed 0.00002.
gnomAD v4.1: 19 of 1,610,168 alleles (0.0012%); highest among the groups gnomAD compares: Admixed American, 0.015%; no homozygotes.

Submissions (4):

Women's Health and Genetics/Laboratory Corporation of America, LabCorp
Classification: Uncertain significance. Last evaluated: 2026-04-29. Review status: criteria provided, single submitter. Criteria: LabCorp Variant Classification Summary - May 2015. Collection method: clinical testing. Allele origin: germline.
Comment: Variant summary: PRRT2 c.923G>A (p.Arg308His) results in a non-conservative amino acid change in the encoded protein sequence. Algorithms developed to predict the effect of missense changes on protein structure and function all suggest that this variant is likely to be disruptive. The variant allele was found at a frequency of 3.2e-05 in 246706 control chromosomes. The available data on variant occurrences in the general population are insufficient to allow any conclusion about variant significance. To our knowledge, no occurrence of c.923G>A in individuals affected with PRRT2-related conditions and no experimental evidence demonstrating its impact on protein function have been reported. ClinVar contains an entry for this variant (Variation ID: 404416). Based on the evidence outlined above, the variant was classified as uncertain significance.

Labcorp Genetics (formerly Invitae), Labcorp
Classification: Uncertain significance for Episodic kinesigenic dyskinesia. Last evaluated: 2025-09-24. Review status: criteria provided, single submitter. Criteria: Invitae Variant Classification Sherloc (09022015). Collection method: clinical testing. Allele origin: germline.
Comment: This sequence change replaces arginine, which is basic and polar, with histidine, which is basic and polar, at codon 308 of the PRRT2 protein (p.Arg308His). This variant is present in population databases (no rsID available, gnomAD 0.02%). This variant has not been reported in the literature in individuals affected with PRRT2-related conditions. ClinVar contains an entry for this variant (Variation ID: 404416). Invitae Evidence Modeling of protein sequence and biophysical properties (such as structural, functional, and spatial information, amino acid conservation, physicochemical variation, residue mobility, and thermodynamic stability) has been performed for this missense variant. However, the output from this modeling did not meet the statistical confidence thresholds required to predict the impact of this variant on PRRT2 protein function. In summary, the available evidence is currently insufficient to determine the role of this variant in disease. Therefore, it has been classified as a Variant of Uncertain Significance.

Ambry Genetics
Classification: Likely benign for Inborn genetic diseases. Last evaluated: 2020-05-04. Review status: criteria provided, single submitter. Criteria: Ambry Variant Classification Scheme 2023. Collection method: clinical testing. Allele origin: germline.

GeneDx
Classification: Uncertain significance. Last evaluated: 2019-07-25. Review status: criteria provided, single submitter. Criteria: GeneDx Variant Classification Process June 2021. Collection method: clinical testing. Allele origin: germline. Affected: yes.
Comment: In silico analysis, which includes protein predictors and evolutionary conservation, supports a deleterious effect; Missense variant in a gene in which most reported pathogenic variants are truncating/loss-of-function; Has not been previously published as pathogenic or benign to our knowledge

NM_145239.3(PRRT2):c.923G>A (p.Arg308His)

Genes: MVP-DT (MVP divergent transcript; minus strand), PRRT2 (proline rich transmembrane protein 2; plus strand). Cytogenetic location: 16p11.2.
Variant type: single nucleotide variant.
Coding change: c.923G>A on transcript NM_145239.3 (MANE Select); coding-DNA position 923, G replaced by A.
Protein change: p.Arg308His; replaces arginine 308 with histidine.
Molecular consequence: missense variant. On other transcripts: 3 prime UTR variant (1).
Genome position (GRCh38, 1-based): chr16:29,814,376, G>A. VCF-style: chr16-29814376-G-A. GRCh37 (hg19) VCF-style: chr16-29825697-G-A.
Other names: c.923G>A, p.Arg308His (NM_001256442.2); c.*422G>A (NM_001256443.2); short protein forms R308H.
Identifiers: ClinVar variation 404416 (VCV000404416.20), dbSNP rs989894169, ClinGen allele CA16614908.